The following is an entry in ClinVar:

NM_001797.4(CDH11):c.2080A>G (p.Lys694Glu)

Gene: CDH11 (cadherin 11; minus strand). Cytogenetic location: 16q21.
Variant type: single nucleotide variant.
Coding change: c.2080A>G on transcript NM_001797.4 (MANE Select); coding-DNA position 2080, A replaced by G.
Protein change: p.Lys694Glu; replaces lysine 694 with glutamic acid.
Molecular consequence: missense variant. On other transcripts: 3 prime UTR variant (1).
Genome position (GRCh38, 1-based): chr16:64,947,914, T>C on the plus strand (A>G on the coding strand, the complement: CDH11 is on the minus strand). VCF-style: chr16-64947914-T-C. GRCh37 (hg19) VCF-style: chr16-64981817-T-C.
Other names: c.*177A>G (NM_001308392.2); c.1702A>G, p.Lys568Glu (NM_001330576.2); short protein forms K568E, K694E.
Identifiers: ClinVar variation 4538904 (VCV004538904.1).

ClinVar aggregate classification (germline): Uncertain significance (1 of 4 stars; one submission).

gnomAD v4.1: 2 of 1,614,166 alleles (0.00012%); highest among the groups gnomAD compares: Non-Finnish European, 0.00017%; no homozygotes.

Submission:

GeneDx
Classification: Uncertain significance. Last evaluated: 2025-06-17. Review status: criteria provided, single submitter. Criteria: GeneDx Variant Classification Process June 2021. Collection method: clinical testing. Allele origin: germline. Affected: yes.
Comment: Not observed at significant frequency in large population cohorts (gnomAD); In silico analysis suggests that this missense variant does not alter protein structure/function; Has not been previously published as pathogenic or benign to our knowledge